The following is an entry in ClinVar:

NM_004006.3(DMD):c.5922+7T>C

Gene: DMD (dystrophin; minus strand). Cytogenetic location: Xp21.1.
Variant type: single nucleotide variant.
Coding change: c.5922+7T>C on transcript NM_004006.3 (MANE Select); 7 bases into the intron after coding-DNA position 5922, T replaced by C.
Molecular consequence: intron variant.
Genome position (GRCh38, 1-based): chrX:32,342,093, A>G on the plus strand (T>C on the coding strand, the complement: DMD is on the minus strand). VCF-style: chrX-32342093-A-G. GRCh37 (hg19) VCF-style: chrX-32360210-A-G.
Other names: c.5898+7T>C (NM_000109.4); c.1899+7T>C (NM_004011.4); c.1890+7T>C (NM_004012.4); c.5910+7T>C (NM_004009.3); c.5553+7T>C (NM_004010.3).
Identifiers: ClinVar variation 3390242 (VCV003390242.14).

ClinVar aggregate classification (germline): Uncertain significance (1 of 4 stars; one submission).

gnomAD v4.1: 1 of 1,205,976 alleles (0.000083%); highest among the groups gnomAD compares: Non-Finnish European, 0.00011%; no homozygotes.

Submission:

CeGaT Center for Human Genetics Tuebingen
Classification: Uncertain significance. Last evaluated: 2025-01-01. Review status: criteria provided, single submitter. Criteria: CeGaT Center For Human Genetics Tuebingen Variant Classification Criteria Version 2. Collection method: clinical testing. Allele origin: germline. Affected: yes. Observed: 1 variant allele.
Comment: DMD: PM2, BP4